The following is an entry in ClinVar:

NM_006648.4(WNK2):c.1517C>T (p.Thr506Met)

Gene: WNK2 (WNK lysine deficient protein kinase 2; plus strand). Cytogenetic location: 9q22.31.
Variant type: single nucleotide variant.
Coding change: c.1517C>T on transcript NM_006648.4 (MANE Select); coding-DNA position 1517, C replaced by T.
Protein change: p.Thr506Met; replaces threonine 506 with methionine.
Molecular consequence: missense variant.
Genome position (GRCh38, 1-based): chr9:93,239,951, C>T. VCF-style: chr9-93239951-C-T. GRCh37 (hg19) VCF-style: chr9-96002233-C-T.
Other names: c.1517C>T, p.Thr506Met (NM_001282394.3); short protein forms T506M.
Identifiers: ClinVar variation 3981857 (VCV003981857.1).

ClinVar aggregate classification (germline): Uncertain significance (1 of 4 stars; one submission).

gnomAD v4.1: 16 of 1,611,818 alleles (0.00099%); highest among the groups gnomAD compares: South Asian, 0.0044%; no homozygotes.

Submission:

Ambry Genetics
Classification: Uncertain significance. Last evaluated: 2025-04-11. Review status: criteria provided, single submitter. Criteria: Ambry Variant Classification Scheme 2023. Collection method: clinical testing. Allele origin: germline.
Comment: The p.T506M variant (also known as c.1517C>T), located in coding exon 6 of the WNK2 gene, results from a C to T substitution at nucleotide position 1517. The threonine at codon 506 is replaced by methionine, an amino acid with similar properties. This amino acid position is conserved. In addition, this alteration is predicted to be tolerated by in silico analysis. Based on the available evidence, the clinical significance of this variant remains unclear.